The following is an entry in ClinVar:

NM_152564.5(VPS13B):c.1944T>A (p.Cys648Ter)

Gene: VPS13B (vacuolar protein sorting 13 homolog B; plus strand). Cytogenetic location: 8q22.2.
Variant type: single nucleotide variant.
Coding change: c.1944T>A on transcript NM_152564.5 (MANE Select); coding-DNA position 1944, T replaced by A.
Protein change: p.Cys648Ter; replaces cysteine 648 with a stop codon.
Molecular consequence: nonsense.
Genome position (GRCh38, 1-based): chr8:99,147,941, T>A. VCF-style: chr8-99147941-T-A. GRCh37 (hg19) VCF-style: chr8-100160169-T-A.
Other names: c.1944T>A, p.Cys648Ter (NM_015243.3, NM_017890.5); short protein forms C648*.
Identifiers: ClinVar variation 1724579 (VCV001724579.2), dbSNP rs988245745, ClinGen allele CA371864439.

ClinVar aggregate classification (germline): Likely pathogenic (1 of 4 stars; one submission).

Conditions:
Cohen syndrome (COH1). Also called: PEPPER SYNDROME; Cutis verticis gyrata, retinitis pigmentosa, and sensorineural deafness. Identifiers: Orphanet 193, MedGen C0265223, MONDO:0008999, OMIM 216550.

Submission:

Myriad Genetics, Inc.
Classification: Likely pathogenic for Cohen syndrome. Last evaluated: 2022-02-20. Review status: criteria provided, single submitter. Criteria: Myriad Women's Health Autosomal Recessive and X-Linked Classification Criteria (2021). Collection method: clinical testing. Allele origin: unknown.
Comment: NM_017890.4(VPS13B):c.1944T>A(C648*) is expected to be pathogenic in the context of Cohen syndrome. This variant is predicted to lead to an abnormal or absent protein product due to the creation of a premature termination codon in VPS13B, a gene where loss-of-function variants are known to be pathogenic. Please note: this variant was assessed in the context of healthy population screening.